The following is an entry in ClinVar:

ClinVar aggregate classification (germline): Uncertain significance (1 of 4 stars; one submission).

Conditions:
Hypertrophic cardiomyopathy 19. Also called: Familial hypertrophic cardiomyopathy 19. Identifiers: MedGen CN077603, MONDO:0013476.

Submission:

Labcorp Genetics (formerly Invitae), Labcorp
Classification: Uncertain significance for Hypertrophic cardiomyopathy 19. Last evaluated: 2021-03-23. Review status: criteria provided, single submitter. Criteria: Invitae Variant Classification Sherloc (09022015). Collection method: clinical testing. Allele origin: germline.
Comment: In summary, the available evidence is currently insufficient to determine the role of this variant in disease. Therefore, it has been classified as a Variant of Uncertain Significance. Experimental studies and prediction algorithms are not available or were not evaluated, and the functional significance of this variant is currently unknown. This variant has not been reported in the literature in individuals with CALR3-related conditions. This variant is not present in population databases (ExAC no frequency). This sequence change affects the initiator methionine of the CALR3 mRNA. The next in-frame methionine is located at codon 13.

NM_145046.5(CALR3):c.-13_5del (p.Met1_Ala2del)

Gene: CALR3 (calreticulin 3; minus strand). Cytogenetic location: 19p13.11.
Variant type: Deletion.
Coding change: c.-13_5del on transcript NM_145046.5 (MANE Select); 13 bases upstream of the start codon through coding-DNA position 5, 18 bases deleted (AGTGCACACCCCCATGGC).
Protein change: p.Met1_Ala2del.
Molecular consequence: inframe deletion, initiator codon variant.
Genome position (GRCh38, 1-based): chr19:16,496,125-16,496,142, GCCATGGGGGTGTGCACT deleted on the plus strand (AGTGCACACCCCCATGGC on the coding strand, the reverse complement: CALR3 is on the minus strand); deleting any 18 consecutive bases within chr19:16,496,125-16,496,144 gives the same sequence; the c. name uses the placement nearest the transcript's 3' end. VCF-style (leftmost placement, unchanged base first): chr19-16496124-GGCCATGGGGGTGTGCACT-G. GRCh37 (hg19) VCF-style: chr19-16606935-GGCCATGGGGGTGTGCACT-G.
Identifiers: ClinVar variation 1415992 (VCV001415992.9), dbSNP rs2122155319, ClinGen allele CA2573156194.